The following is an entry in ClinVar:

NM_001171.6(ABCC6):c.2306G>A (p.Arg769Lys)

Gene: ABCC6 (ATP binding cassette subfamily C member 6; minus strand). Cytogenetic location: 16p13.11.
Variant type: single nucleotide variant.
Coding change: c.2306G>A on transcript NM_001171.6 (MANE Select); coding-DNA position 2306, G replaced by A.
Protein change: p.Arg769Lys; replaces arginine 769 with lysine.
Molecular consequence: missense variant. On other transcripts: non-coding transcript variant (1).
Genome position (GRCh38, 1-based): chr16:16,178,907, C>T on the plus strand (G>A on the coding strand, the complement: ABCC6 is on the minus strand). VCF-style: chr16-16178907-C-T. GRCh37 (hg19) VCF-style: chr16-16272764-C-T.
Other names: c.1964G>A, p.Arg655Lys (NM_001351800.1); short protein forms R769K, R655K.
Identifiers: ClinVar variation 433522 (VCV000433522.16), dbSNP rs57794451, ClinGen allele CA7925960.

ClinVar aggregate classification (germline): Conflicting classifications of pathogenicity. Review status: criteria provided, conflicting classifications (1 of 4 stars). 6 submissions from 6 submitters: Uncertain significance (1); Benign (2); Likely benign (2). 1 of the submissions does not count toward it. Last evaluated 2026-01-23.

Conditions:
ABCC6-related disorder. Also called: ABCC6-related condition.
Arterial calcification, generalized, of infancy, 2. Identifiers: Orphanet 51608, MedGen C3276161, MONDO:0013768, OMIM 614473.
Autosomal recessive inherited pseudoxanthoma elasticum (PXE). Identifiers: Orphanet 758, MedGen CN032334, MONDO:0009925, OMIM 264800.
Pseudoxanthoma elasticum, forme fruste. Also called: Pseudoxanthoma Elasticum, Incomplete; PSEUDOXANTHOMA ELASTICUM, HETEROZYGOUS. Identifiers: Orphanet 758, MedGen C1867450, MONDO:0008333, OMIM 177850.

Allele frequency attached by ClinVar (database versions not stated): ExAC 0.00017; 1000 Genomes Project 0.00060; 1000 Genomes Project 30x 0.00062; gnomAD 0.00082 and 0.00089; TOPMed 0.00098; ESP Exome Variant Server 0.00108.
gnomAD v4.1: 245 of 1,613,786 alleles (0.015%); highest among the groups gnomAD compares: African/African-American, 0.31%; no homozygotes.

Submissions (6):

Labcorp Genetics (formerly Invitae), Labcorp
Classification: Benign. Last evaluated: 2026-01-23. Review status: criteria provided, single submitter. Criteria: Invitae Variant Classification Sherloc (09022015). Collection method: clinical testing. Allele origin: germline.

PreventionGenetics, part of Exact Sciences
Classification: Likely benign for ABCC6-related condition. Last evaluated: 2025-12-31. Review status: criteria provided, single submitter. Criteria: ACMG Guidelines, 2015. Collection method: clinical testing. Allele origin: germline.
Comment: This variant is classified as likely benign based on ACMG/AMP sequence variant interpretation guidelines (Richards et al. 2015 PMID: 25741868, with internal and published modifications).

Blueprint Genetics
Classification: Uncertain significance. Last evaluated: 2024-07-06. Review status: criteria provided, single submitter. Criteria: ACMG Guidelines, 2015. Collection method: clinical testing. Allele origin: germline.

Fulgent Genetics
Classification: Likely benign for Pseudoxanthoma elasticum, forme fruste; Autosomal recessive inherited pseudoxanthoma elasticum; Arterial calcification, generalized, of infancy, 2. Last evaluated: 2021-09-30. Review status: criteria provided, single submitter. Criteria: ACMG Guidelines, 2015. Collection method: clinical testing. Allele origin: unknown.

Breakthrough Genomics
Classification: Benign. Review status: criteria provided, single submitter. Criteria: ACMG Guidelines, 2015. Collection method: not provided. Allele origin: germline. Inheritance: Autosomal recessive inheritance. Affected: yes.

PXE International
Classification: Uncertain significance for Autosomal recessive inherited pseudoxanthoma elasticum. Last evaluated: 2021-02-04. Review status: no assertion criteria provided. Collection method: research. Allele origin: germline. Inheritance: Autosomal recessive inheritance. Affected: yes. Observed: 1 variant allele. Not counted in ClinVar's aggregate classification.

Literature cited by the submitters: PubMed 32873932 (cited by PXE International); PubMed 20799350 (cited by PXE International).